The following is an entry in ClinVar:

NM_001134363.3(RBM20):c.2371C>T (p.Arg791Trp)

Gene: RBM20 (RNA binding motif protein 20; plus strand). Cytogenetic location: 10q25.2.
Variant type: single nucleotide variant.
Coding change: c.2371C>T on transcript NM_001134363.3 (MANE Select); coding-DNA position 2371, C replaced by T.
Protein change: p.Arg791Trp; replaces arginine 791 with tryptophan.
Molecular consequence: missense variant.
Genome position (GRCh38, 1-based): chr10:110,812,768, C>T. VCF-style: chr10-110812768-C-T. GRCh37 (hg19) VCF-style: chr10-112572526-C-T.
Other names: short protein forms R791W.
Identifiers: ClinVar variation 470599 (VCV000470599.12), dbSNP rs529403382, ClinGen allele CA213224276.

ClinVar aggregate classification (germline): Conflicting classifications of pathogenicity. Review status: criteria provided, conflicting classifications (1 of 4 stars). 6 submissions from 6 submitters: Uncertain significance (5); Likely benign (1). Last evaluated 2026-02-03.

Conditions:
Cardiomyopathy (CMYO). Also called: Cardiomyopathies. Identifiers: Orphanet 167848, MedGen C0878544, MONDO:0004994, HP:0001638. Inheritance: Various modes of inheritance.
Cardiovascular phenotype. Identifiers: MedGen CN230736.
Arrhythmogenic right ventricular cardiomyopathy (ARVD). Also called: Arrhythmogenic Right Ventricular Cardiomyopathy (ARVC); Arrhythmogenic right ventricular dysplasia; Cardiomyopathy, ARVC; Arrhythmogenic cardiomyopathy. Identifiers: Orphanet 247, MedGen C0349788, MeSH D019571, MONDO:0016587. Disease mechanism: loss of function. Inheritance: Various modes of inheritance.
Dilated cardiomyopathy 1DD (CMD1DD). Identifiers: Orphanet 154, MedGen C2750995, MONDO:0013168, OMIM 613172.

Allele frequency attached by ClinVar (database versions not stated): gnomAD exomes 0.00003; gnomAD 0.00004 and 0.00005; TOPMed 0.00004; 1000 Genomes Project 30x 0.00016; 1000 Genomes Project 0.00020.

Submissions (6):

Labcorp Genetics (formerly Invitae), Labcorp
Classification: Likely benign for Dilated cardiomyopathy 1DD. Last evaluated: 2026-02-03. Review status: criteria provided, single submitter. Criteria: Invitae Variant Classification Sherloc (09022015). Collection method: clinical testing. Allele origin: germline.

Ambry Genetics
Classification: Uncertain significance for Cardiovascular phenotype. Last evaluated: 2024-05-03. Review status: criteria provided, single submitter. Criteria: Ambry Variant Classification Scheme 2023. Collection method: clinical testing. Allele origin: germline.
Comment: The p.R791W variant (also known as c.2371C>T), located in coding exon 9 of the RBM20 gene, results from a C to T substitution at nucleotide position 2371. The arginine at codon 791 is replaced by tryptophan, an amino acid with dissimilar properties. This alteration has been reported in a dilated cardiomyopathy (DCM) cohort; however, clinical details were limited (Horvat C et al. Genet Med, 2019 Jan;21:133-143). This amino acid position is well conserved in available vertebrate species. In addition, the in silico prediction for this alteration is inconclusive. Based on the available evidence, the clinical significance of this variant remains unclear.

Fulgent Genetics
Classification: Uncertain significance for Dilated cardiomyopathy 1DD. Last evaluated: 2024-05-03. Review status: criteria provided, single submitter. Criteria: ACMG Guidelines, 2015. Collection method: clinical testing. Allele origin: germline.

Blueprint Genetics
Classification: Uncertain significance. Last evaluated: 2024-04-17. Review status: criteria provided, single submitter. Criteria: ACMG Guidelines, 2015. Collection method: clinical testing. Allele origin: germline.

CHEO Genetics Diagnostic Laboratory, Children's Hospital of Eastern Ontario
Classification: Uncertain significance for Cardiomyopathy. Last evaluated: 2020-02-12. Review status: criteria provided, single submitter. Criteria: ACMG Guidelines, 2015. Collection method: clinical testing. Allele origin: germline.

Center for Advanced Laboratory Medicine, UC San Diego Health, University of California San Diego
Classification: Uncertain significance for Arrhythmogenic right ventricular cardiomyopathy. Last evaluated: 2017-12-22. Review status: criteria provided, single submitter. Criteria: ACMG Guidelines, 2015. Collection method: clinical testing. Allele origin: germline. Affected: yes. Observed: 1 variant allele.

Literature cited by the submitters: PubMed 29892087 (cited by Ambry Genetics).